The following is an entry in ClinVar:

ClinVar aggregate classification (germline): Uncertain significance. Review status: criteria provided, multiple submitters, no conflicts (2 of 4 stars). 4 submissions from 4 submitters: Uncertain significance (4). Last evaluated 2026-03-21.

Conditions:
RYR1-related disorder. Also called: RYR1-related condition; RYR1-related disorders. Identifiers: MedGen CN239331.
Malignant hyperthermia, susceptibility to, 1 (MHS1). Also called: Malignant hyperthermia suceptibility 1; RYR1-Related Malignant Hyperthermia Susceptibility; Anesthesia related hyperthermia; Malignant hyperpyrexia; Fulminating hyperpyrexia; Pharmacogenic myopathy. Identifiers: Orphanet 423, MedGen C2930980, MONDO:0007783, OMIM 145600.

Allele frequency attached by ClinVar (database versions not stated): ExAC 0.00008; ESP Exome Variant Server 0.00008.
gnomAD v4.1: 32 of 1,583,350 alleles (0.002%); highest among the groups gnomAD compares: Admixed American, 0.0036%; no homozygotes.

Submissions (4):

GeneDx
Classification: Uncertain significance. Last evaluated: 2026-03-21. Review status: criteria provided, single submitter. Criteria: GeneDx Variant Classification Process June 2021. Collection method: clinical testing. Allele origin: germline.
Comment: Not observed at significant frequency in large population cohorts (gnomAD); In silico analysis supports that this missense variant has a deleterious effect on protein structure/function; Has not been previously published as pathogenic or benign to our knowledge

Labcorp Genetics (formerly Invitae), Labcorp
Classification: Uncertain significance for RYR1-related disorder. Last evaluated: 2025-05-23. Review status: criteria provided, single submitter. Criteria: Invitae Variant Classification Sherloc (09022015). Collection method: clinical testing. Allele origin: germline.
Comment: This sequence change replaces proline, which is neutral and non-polar, with leucine, which is neutral and non-polar, at codon 3224 of the RYR1 protein (p.Pro3224Leu). The frequency data for this variant in the population databases is considered unreliable, as metrics indicate poor data quality at this position in the gnomAD database. This variant has not been reported in the literature in individuals affected with RYR1-related conditions. ClinVar contains an entry for this variant (Variation ID: 3070455). Invitae Evidence Modeling of protein sequence and biophysical properties (such as structural, functional, and spatial information, amino acid conservation, physicochemical variation, residue mobility, and thermodynamic stability) indicates that this missense variant is not expected to disrupt RYR1 protein function with a negative predictive value of 80%. In summary, the available evidence is currently insufficient to determine the role of this variant in disease. Therefore, it has been classified as a Variant of Uncertain Significance.

Color Diagnostics, LLC DBA Color Health
Classification: Uncertain significance for Malignant hyperthermia, susceptibility to, 1. Last evaluated: 2024-11-13. Review status: criteria provided, single submitter. Criteria: ACMG Guidelines, 2015. Collection method: clinical testing. Allele origin: germline.
Comment: This missense variant replaces proline with leucine at codon 3224 of the RYR1 protein. Computational prediction is inconclusive regarding the impact of this variant on protein structure and function (internally defined REVEL score threshold 0.5 < inconclusive < 0.7, PMID: 27666373). To our knowledge, functional studies have not been reported for this variant. This variant has not been reported in individuals affected with RYR1-related disorders in the literature. This variant has been identified in 3/200094 chromosomes in the general population by the Genome Aggregation Database (gnomAD). The available evidence is insufficient to determine the role of this variant in disease conclusively. Therefore, this variant is classified as a Variant of Uncertain Significance.

All of Us Research Program, National Institutes of Health
Classification: Uncertain significance for Malignant hyperthermia, susceptibility to, 1. Last evaluated: 2024-09-27. Review status: criteria provided, single submitter. Criteria: ACMG Guidelines, 2015. Collection method: clinical testing. Allele origin: germline. Inheritance: Autosomal dominant inheritance. Observed: 4 variant alleles, 4 heterozygotes.
Comment: This missense variant replaces proline with leucine at codon 3224 of the RYR1 protein. Computational prediction is inconclusive regarding the impact of this variant on protein structure and function (internally defined REVEL score threshold 0.5 < inconclusive < 0.7, PMID: 27666373). To our knowledge, functional studies have not been reported for this variant. This variant has not been reported in individuals affected with RYR1-related disorders in the literature. This variant has been identified in 3/200094 chromosomes in the general population by the Genome Aggregation Database (gnomAD). The available evidence is insufficient to determine the role of this variant in disease conclusively. Therefore, this variant is classified as a Variant of Uncertain Significance.

This study involves interpretation of variants in research participants for the purpose of population health screening. Participant phenotype was not available at the time of variant classification. Additional details can be found in publication PMID: 35346344, PMCID: PMC8962531

NM_000540.3(RYR1):c.9671C>T (p.Pro3224Leu)

Gene: RYR1 (ryanodine receptor 1; plus strand). Cytogenetic location: 19q13.2.
Variant type: single nucleotide variant.
Coding change: c.9671C>T on transcript NM_000540.3 (MANE Select); coding-DNA position 9671, C replaced by T.
Protein change: p.Pro3224Leu; replaces proline 3224 with leucine.
Molecular consequence: missense variant.
Genome position (GRCh38, 1-based): chr19:38,516,203, C>T. VCF-style: chr19-38516203-C-T. GRCh37 (hg19) VCF-style: chr19-39006843-C-T.
Other names: c.9671C>T, p.Pro3224Leu (NM_001042723.2); short protein forms P3224L.
Identifiers: ClinVar variation 3070455 (VCV003070455.5), dbSNP rs373626870, ClinGen allele CA073957.